The following is an entry in ClinVar:

NM_000458.4(HNF1B):c.1339+1G>A

Gene: HNF1B (HNF1 homeobox B; minus strand). Cytogenetic location: 17q12.
Variant type: single nucleotide variant.
Coding change: c.1339+1G>A on transcript NM_000458.4 (MANE Select); the canonical splice donor site of the intron after coding-DNA position 1339, G replaced by A.
Molecular consequence: splice donor variant.
Genome position (GRCh38, 1-based): chr17:37,704,916, C>T on the plus strand (G>A on the coding strand, the complement: HNF1B is on the minus strand). VCF-style: chr17-37704916-C-T. GRCh37 (hg19) VCF-style: chr17-36064923-C-T.
Other names: c.1261+1G>A (NM_001304286.2, NM_001165923.4); c.1339+1G>A (NM_001411100.1).
Identifiers: ClinVar variation 635590 (VCV000635590.1), dbSNP rs2511709473, ClinGen allele CA398757050.

ClinVar aggregate classification (germline): Pathogenic (1 of 4 stars; one submission).

Conditions:
Renal cysts and diabetes syndrome (RCAD). Also called: Familial hypoplastic, glomerulocystic kidney; MATURITY-ONSET DIABETES OF THE YOUNG, TYPE 5. Identifiers: Orphanet 93111, MedGen C0431693, MONDO:0007669, OMIM 137920.

Submission:

Institute of Human Genetics, FAU Erlangen, Friedrich-Alexander-Universität Erlangen-Nürnberg
Classification: Pathogenic for Renal cysts and diabetes syndrome. Last evaluated: 2019-07-06. Review status: criteria provided, single submitter. Criteria: ACMG Guidelines, 2015. Collection method: literature only. Allele origin: germline. Affected: yes.
Comment: This variant and it's classification has been reported by Vasileiou et al. 2019; DOI:10.1101/576918. The variants has previously been reported in PMID:25700310; PMID:17267738; PMID:25536396 as "c.1339+1G>A" with clinical significance Pathogenic. It has been re-classified using InterVar and manual curation as Pathogenic based on PVS1 PM2 PP3.

Literature cited by the submitters: PubMed 25700310; PubMed 17267738; PubMed 25536396; DOI 10.1101/576918.